The following is an entry in ClinVar:

ClinVar aggregate classification (germline): Uncertain significance. Review status: criteria provided, multiple submitters, no conflicts (2 of 4 stars). 3 submissions from 3 submitters: Uncertain significance (3). Last evaluated 2024-11-26.

Conditions:
Hereditary cancer-predisposing syndrome. Also called: Tumor predisposition; Neoplastic Syndromes, Hereditary; Hereditary Cancer Syndrome; Hereditary neoplastic syndrome. Identifiers: Orphanet 140162, MedGen C0027672, MeSH D009386, MONDO:0015356.
Ataxia-telangiectasia syndrome (AT). Also called: LOUIS-BAR SYNDROME; Cerebello-oculocutaneous telangiectasia; Immunodeficiency with ataxia telangiectasia; Ataxia-telangiectasia, complementation group D; AT, COMPLEMENTATION GROUP C; ATAXIA-TELANGIECTASIA, COMPLEMENTATION GROUP A. Identifiers: Orphanet 100, MedGen C0004135, MONDO:0008840, OMIM 208900.

Submissions (3):

Ambry Genetics
Classification: Uncertain significance for Hereditary cancer-predisposing syndrome. Last evaluated: 2024-11-26. Review status: criteria provided, single submitter. Criteria: Ambry Variant Classification Scheme 2023. Collection method: clinical testing. Allele origin: germline.
Comment: The p.E503D variant (also known as c.1509A>T), located in coding exon 9 of the ATM gene, results from an A to T substitution at nucleotide position 1509. The glutamic acid at codon 503 is replaced by aspartic acid, an amino acid with highly similar properties. This amino acid position is well conserved in available vertebrate species. In addition, this alteration is predicted to be tolerated by in silico analysis. Based on the available evidence, the clinical significance of this variant remains unclear.

Labcorp Genetics (formerly Invitae), Labcorp
Classification: Uncertain significance for Ataxia-telangiectasia syndrome. Last evaluated: 2022-07-14. Review status: criteria provided, single submitter. Criteria: Invitae Variant Classification Sherloc (09022015). Collection method: clinical testing. Allele origin: germline.
Comment: In summary, the available evidence is currently insufficient to determine the role of this variant in disease. Therefore, it has been classified as a Variant of Uncertain Significance. Advanced modeling of protein sequence and biophysical properties (such as structural, functional, and spatial information, amino acid conservation, physicochemical variation, residue mobility, and thermodynamic stability) performed at Invitae indicates that this missense variant is not expected to disrupt ATM protein function. This variant has not been reported in the literature in individuals affected with ATM-related conditions. This variant is not present in population databases (gnomAD no frequency). This sequence change replaces glutamic acid, which is acidic and polar, with aspartic acid, which is acidic and polar, at codon 503 of the ATM protein (p.Glu503Asp).

GeneDx
Classification: Uncertain significance. Last evaluated: 2022-06-01. Review status: criteria provided, single submitter. Criteria: GeneDx Variant Classification Process June 2021. Collection method: clinical testing. Allele origin: germline. Affected: yes.
Comment: Not observed at significant frequency in large population cohorts (gnomAD); In silico analysis supports that this missense variant does not alter protein structure/function; Has not been previously published as pathogenic or benign to our knowledge

NM_000051.4(ATM):c.1509A>T (p.Glu503Asp)

Gene: ATM (ATM serine/threonine kinase; plus strand). Cytogenetic location: 11q22.3.
Variant type: single nucleotide variant.
Coding change: c.1509A>T on transcript NM_000051.4 (MANE Select); coding-DNA position 1509, A replaced by T.
Protein change: p.Glu503Asp; replaces glutamic acid 503 with aspartic acid.
Molecular consequence: missense variant.
Genome position (GRCh38, 1-based): chr11:108,250,974, A>T. VCF-style: chr11-108250974-A-T. GRCh37 (hg19) VCF-style: chr11-108121701-A-T.
Other names: c.1509A>T, p.Glu503Asp (NM_001351834.2); short protein forms E503D.
Identifiers: ClinVar variation 1774131 (VCV001774131.9), dbSNP rs2135325133, ClinGen allele CA382534252.